The following is an entry in ClinVar:

ClinVar aggregate classification (germline): Pathogenic/Likely pathogenic. Review status: criteria provided, multiple submitters, no conflicts (2 of 4 stars). 5 submissions from 5 submitters: Pathogenic (2); Likely pathogenic (3). Last evaluated 2026-10-11.

Conditions:
PLEKHG5-related disorder. Also called: PLEKHG5-related condition.
Neuronopathy, distal hereditary motor, autosomal recessive 4. Also called: NEUROPATHY, DISTAL HEREDITARY MOTOR, AUTOSOMAL RECESSIVE 4; Autosomal recessive lower motor neuron disease with childhood onset. Identifiers: Orphanet 206580, MedGen C1970211, MONDO:0012608, OMIM 611067.
Charcot-Marie-Tooth disease recessive intermediate C. Also called: CHARCOT-MARIE-TOOTH NEUROPATHY, RECESSIVE INTERMEDIATE C. Identifiers: Orphanet 369867, MedGen C3809309, MONDO:0014154, OMIM 615376.

Allele frequency attached by ClinVar (database versions not stated): ExAC 0.00001; gnomAD 0.00006; gnomAD exomes 0.00002; TOPMed 0.00003.
gnomAD v4.1: 114 of 1,609,858 alleles (0.0071%); highest among the groups gnomAD compares: Non-Finnish European, 0.0092%; no homozygotes.

Submissions (5):

GeneDx
Classification: Likely pathogenic. Last evaluated: 2026-10-11. Review status: criteria provided, single submitter. Criteria: GeneDx Variant Classification Process June 2021. Collection method: clinical testing. Allele origin: germline.
Comment: Nonsense variant predicted to result in protein truncation or nonsense mediated decay in a gene for which loss of function is a known mechanism of disease; Not observed at significant frequency in large population cohorts (gnomAD); Has not been previously published as pathogenic or benign to our knowledge

Labcorp Genetics (formerly Invitae), Labcorp
Classification: Pathogenic for Neuronopathy, distal hereditary motor, autosomal recessive 4; Charcot-Marie-Tooth disease recessive intermediate C. Last evaluated: 2026-01-17. Review status: criteria provided, single submitter. Criteria: Invitae Variant Classification Sherloc (09022015). Collection method: clinical testing. Allele origin: germline.
Comment: This sequence change creates a premature translational stop signal (p.Arg848*) in the PLEKHG5 gene. It is expected to result in an absent or disrupted protein product. Loss-of-function variants in PLEKHG5 are known to be pathogenic (PMID: 17564964, 23777631). This variant is present in population databases (rs770593694, gnomAD 0.005%). This variant has not been reported in the literature in individuals affected with PLEKHG5-related conditions. ClinVar contains an entry for this variant (Variation ID: 566096). For these reasons, this variant has been classified as Pathogenic.

Blueprint Genetics
Classification: Likely pathogenic for PLEKHG5-related disorders. Last evaluated: 2024-10-04. Review status: criteria provided, single submitter. Criteria: ACMG Guidelines, 2015. Collection method: clinical testing. Allele origin: germline. Affected: yes. Observed: 3 variant alleles.

Women's Health and Genetics/Laboratory Corporation of America, LabCorp
Classification: Pathogenic for Neuronopathy, distal hereditary motor, autosomal recessive 4. Last evaluated: 2024-05-15. Review status: criteria provided, single submitter. Criteria: LabCorp Variant Classification Summary - May 2015. Collection method: clinical testing. Allele origin: germline.
Comment: Variant summary: PLEKHG5 c.2542C>T (p.Arg848X) results in a premature termination codon, predicted to cause absence of the protein due to nonsense mediated decay, which is a commonly known mechanism for disease. The variant allele was found at a frequency of 1.7e-05 in 238516 control chromosomes (gnomAD). To our knowledge, no occurrence of c.2542C>T in individuals affected with Distal Spinal Muscular Atrophy, Autosomal Recessive 4 and no experimental evidence demonstrating its impact on protein function have been reported. ClinVar contains an entry for this variant (Variation ID: 566096). Based on the evidence outlined above, the variant was classified as pathogenic.

Fulgent Genetics
Classification: Likely pathogenic for Neuronopathy, distal hereditary motor, autosomal recessive 4; Charcot-Marie-Tooth disease recessive intermediate C. Last evaluated: 2024-03-27. Review status: criteria provided, single submitter. Criteria: ACMG Guidelines, 2015. Collection method: clinical testing. Allele origin: germline.

Literature cited by the submitters: PubMed 17564964 (cited by Labcorp Genetics (formerly Invitae), Labcorp); PubMed 23777631 (cited by Labcorp Genetics (formerly Invitae), Labcorp).

NM_020631.6(PLEKHG5):c.2542C>T (p.Arg848Ter)

Gene: PLEKHG5 (pleckstrin homology and RhoGEF domain containing G5; minus strand). Cytogenetic location: 1p36.31.
Variant type: single nucleotide variant.
Coding change: c.2542C>T on transcript NM_020631.6 (MANE Select); coding-DNA position 2542, C replaced by T.
Protein change: p.Arg848Ter; replaces arginine 848 with a stop codon.
Molecular consequence: nonsense.
Genome position (GRCh38, 1-based): chr1:6,468,294, G>A on the plus strand (C>T on the coding strand, the complement: PLEKHG5 is on the minus strand). VCF-style: chr1-6468294-G-A. GRCh37 (hg19) VCF-style: chr1-6528354-G-A.
Other names: c.2542C>T, p.Arg848Ter (NM_001042664.2, NM_001042665.2, NM_001265594.3 and 1 more transcripts); c.2653C>T, p.Arg885Ter (NM_001265592.2, NM_001042663.3); c.2749C>T, p.Arg917Ter (NM_001265593.2); short protein forms R848*, R917*, R885*.
Identifiers: ClinVar variation 566096 (VCV000566096.16), dbSNP rs770593694, ClinGen allele CA561140.